The following is an entry in ClinVar:

ClinVar aggregate classification (germline): Likely benign. Review status: criteria provided, single submitter (1 of 4 stars). 2 submissions from 2 submitters: Likely benign (1). 1 of the submissions does not count toward it. Last evaluated 2023-04-01.

Conditions:
BIRC6-related disorder. Also called: BIRC6-related condition.

Allele frequency attached by ClinVar (database versions not stated): 1000 Genomes Project 30x 0.00109; 1000 Genomes Project 0.00120; ExAC 0.00495; gnomAD 0.00588; TOPMed 0.00618; ESP Exome Variant Server 0.00823; gnomAD exomes 0.00939.
gnomAD v4.1: 14,601 of 1,613,744 alleles (0.9%); highest among the groups gnomAD compares: Non-Finnish European, 1.1%; 102 homozygotes.

Submissions (2):

CeGaT Center for Human Genetics Tuebingen
Classification: Likely benign. Last evaluated: 2023-04-01. Review status: criteria provided, single submitter. Criteria: CeGaT Center For Human Genetics Tuebingen Variant Classification Criteria Version 2. Collection method: clinical testing. Allele origin: germline. Affected: yes. Observed: 3 variant alleles.
Comment: BIRC6: BP4, BP7, BS2

PreventionGenetics, part of Exact Sciences
Classification: Benign for BIRC6-related condition. Last evaluated: 2019-08-16. Review status: no assertion criteria provided. Collection method: clinical testing. Allele origin: germline. Not counted in ClinVar's aggregate classification.
Comment: This variant is classified as benign based on ACMG/AMP sequence variant interpretation guidelines (Richards et al. 2015 PMID: 25741868, with internal and published modifications).

NM_016252.4(BIRC6):c.2682G>A (p.Thr894=)

Gene: BIRC6 (baculoviral IAP repeat containing 6; plus strand). Cytogenetic location: 2p22.3.
Variant type: single nucleotide variant.
Coding change: c.2682G>A on transcript NM_016252.4 (MANE Select); coding-DNA position 2682, G replaced by A.
Protein change: p.Thr894=; no amino-acid change (threonine 894 retained).
Molecular consequence: synonymous variant.
Genome position (GRCh38, 1-based): chr2:32,415,973, G>A. VCF-style: chr2-32415973-G-A. GRCh37 (hg19) VCF-style: chr2-32641041-G-A.
Other names: c.2598G>A, p.Thr866= (NM_001378125.1); c.2682G>A (NM_016252.3).
Identifiers: ClinVar variation 2650811 (VCV002650811.25), dbSNP rs144184005, ClinGen allele CA1602973.